The following is an entry in ClinVar:

ClinVar aggregate classification (germline): Likely benign (1 of 4 stars; one submission).

Allele frequency attached by ClinVar (database versions not stated): gnomAD 0.00001; gnomAD exomes 0.00001; ExAC 0.00003.
gnomAD v4.1: 16 of 1,559,330 alleles (0.001%); highest among the groups gnomAD compares: South Asian, 0.0033%; no homozygotes.

Submission:

CeGaT Center for Human Genetics Tuebingen
Classification: Likely benign. Last evaluated: 2024-06-01. Review status: criteria provided, single submitter. Criteria: CeGaT Center For Human Genetics Tuebingen Variant Classification Criteria Version 2. Collection method: clinical testing. Allele origin: germline. Affected: yes. Observed: 1 variant allele.
Comment: TBC1D7: BP4, BP7

NM_016495.6(TBC1D7):c.381+57G>A

Genes: TBC1D7 (TBC1 domain family member 7; minus strand), TBC1D7-LOC100130357 (TBC1D7-LOC100130357 readthrough; minus strand). Cytogenetic location: 6p24.1.
Variant type: single nucleotide variant.
Coding change: c.381+57G>A on transcript NM_016495.6 (MANE Select); 57 bases into the intron after coding-DNA position 381, G replaced by A.
Molecular consequence: intron variant. On other transcripts: synonymous variant (1).
Genome position (GRCh38, 1-based): chr6:13,320,851, C>T on the plus strand (G>A on the coding strand, the complement: TBC1D7 is on the minus strand). VCF-style: chr6-13320851-C-T. GRCh37 (hg19) VCF-style: chr6-13321083-C-T.
Other names: c.357G>A, p.Pro119= (NM_001318806.2); c.381+57G>A (NM_001318809.2, NM_001258457.3, NM_001143965.4 and 2 more transcripts); c.300+57G>A (NM_001143966.4).
Identifiers: ClinVar variation 3250875 (VCV003250875.18), dbSNP rs761776804.